The following is an entry in ClinVar:

NM_001267550.2(TTN):c.106213A>C (p.Thr35405Pro)

Genes: TTN (titin; minus strand), TTN-AS1 (TTN antisense RNA 1; plus strand). Cytogenetic location: 2q31.2.
Variant type: single nucleotide variant.
Coding change: c.106213A>C on transcript NM_001267550.2 (MANE Select); coding-DNA position 106213, A replaced by C.
Protein change: p.Thr35405Pro; replaces threonine 35405 with proline.
Molecular consequence: missense variant.
Genome position (GRCh38, 1-based): chr2:178,530,402, T>G on the plus strand (A>C on the coding strand, the complement: TTN is on the minus strand). VCF-style: chr2-178530402-T-G. GRCh37 (hg19) VCF-style: chr2-179395129-T-G.
Other names: c.101290A>C, p.Thr33764Pro (NM_001256850.1); c.79018A>C, p.Thr26340Pro (NM_003319.4); c.98509A>C, p.Thr32837Pro (NM_133378.4); c.79393A>C, p.Thr26465Pro (NM_133432.3); c.79594A>C, p.Thr26532Pro (NM_133437.4); short protein forms T26532P, T32837P, T26340P, T33764P, T26465P, T35405P.
Identifiers: ClinVar variation 4987574 (VCV004987574.2).

ClinVar aggregate classification (germline): Uncertain significance. Review status: criteria provided, multiple submitters, no conflicts (2 of 4 stars). 2 submissions from 2 submitters: Uncertain significance (2). Last evaluated 2026-09-01.

Conditions:
TTN-related disorder. Also called: TTN-related condition; TTN-related disease; TTN-related disorders.

gnomAD v4.1: 10 of 1,613,872 alleles (0.00062%); highest among the groups gnomAD compares: Non-Finnish European, 0.00085%; no homozygotes.

Submissions (2):

CeGaT Center for Human Genetics Tuebingen
Classification: Uncertain significance. Last evaluated: 2026-09-01. Review status: criteria provided, single submitter. Criteria: CeGaT Center For Human Genetics Tuebingen Variant Classification Criteria Version 2. Collection method: clinical testing. Allele origin: germline. Affected: yes. Observed: 1 variant allele.
Comment: TTN: PM2, BP4

PreventionGenetics, part of Exact Sciences
Classification: Uncertain significance for TTN-related condition. Last evaluated: 2025-07-30. Review status: criteria provided, single submitter. Criteria: ACMG Guidelines, 2015. Collection method: clinical testing. Allele origin: germline.
Comment: The TTN c.106213A>C variant is predicted to result in the amino acid substitution p.Thr35405Pro. To our knowledge, this variant has not been reported in the literature. This variant is reported in 0.0018% of alleles in individuals of European (Non-Finnish) descent in gnomAD. At this time, the clinical significance of this variant is uncertain due to the absence of conclusive functional and genetic evidence.